The following is an entry in ClinVar:

ClinVar aggregate classification (germline): Conflicting classifications of pathogenicity. Review status: criteria provided, conflicting classifications (1 of 4 stars). 7 submissions from 7 submitters: Uncertain significance (3); Likely benign (3). 1 of the submissions does not count toward it. Last evaluated 2026-01-31.

Conditions:
MEGF10-related disorder. Also called: MEGF10-related condition.
MEGF10-related myopathy (CMYO10A). Also called: Congenital myopathy 10A, severe variant. Identifiers: Orphanet 439212, MedGen C3280679, MONDO:0013731, OMIM 614399.

Allele frequency attached by ClinVar (database versions not stated): gnomAD 0.00076 and 0.00079; gnomAD exomes 0.00085 and 0.00141; TOPMed 0.00095; 1000 Genomes Project 0.00100; ExAC 0.00108; 1000 Genomes Project 30x 0.00109; ESP Exome Variant Server 0.00123.
gnomAD v4.1: 2,166 of 1,597,724 alleles (0.14%); highest among the groups gnomAD compares: Non-Finnish European, 0.17%; 4 homozygotes.

Submissions (7):

Labcorp Genetics (formerly Invitae), Labcorp
Classification: Likely benign for MEGF10-related myopathy. Last evaluated: 2026-01-31. Review status: criteria provided, single submitter. Criteria: Invitae Variant Classification Sherloc (09022015). Collection method: clinical testing. Allele origin: germline.

Revvity Omics, Revvity
Classification: Uncertain significance. Last evaluated: 2025-08-07. Review status: criteria provided, single submitter. Criteria: ACMG Guidelines, 2015. Collection method: clinical testing. Allele origin: germline.

Blueprint Genetics
Classification: Likely benign. Last evaluated: 2024-11-26. Review status: criteria provided, single submitter. Criteria: ACMG Guidelines, 2015. Collection method: clinical testing. Allele origin: germline.

GeneDx
Classification: Likely benign. Last evaluated: 2021-10-18. Review status: criteria provided, single submitter. Criteria: GeneDx Variant Classification Process June 2021. Collection method: clinical testing. Allele origin: germline. Affected: yes.

Illumina Laboratory Services, Illumina
Classification: Uncertain significance for MEGF10-related myopathy. Last evaluated: 2018-01-13. Review status: criteria provided, single submitter. Criteria: ICSL Variant Classification Criteria 13 December 2019. Collection method: clinical testing. Allele origin: germline.

Genomic Diagnostic Laboratory, Division of Genomic Diagnostics, Children's Hospital of Philadelphia
Classification: Uncertain significance. Last evaluated: 2015-09-18. Review status: criteria provided, single submitter. Criteria: DGD Variant Analysis Guidelines. Collection method: clinical testing. Allele origin: unknown.

PreventionGenetics, part of Exact Sciences
Classification: Likely benign for MEGF10-related condition. Last evaluated: 2024-04-03. Review status: no assertion criteria provided. Collection method: clinical testing. Allele origin: germline. Not counted in ClinVar's aggregate classification.
Comment: This variant is classified as likely benign based on ACMG/AMP sequence variant interpretation guidelines (Richards et al. 2015 PMID: 25741868, with internal and published modifications).

NM_001256545.2(MEGF10):c.1130+3G>A

Gene: MEGF10 (multiple EGF like domains 10; plus strand). Cytogenetic location: 5q23.2.
Variant type: single nucleotide variant.
Coding change: c.1130+3G>A on transcript NM_001256545.2 (MANE Select); 3 bases into the intron after coding-DNA position 1130, G replaced by A.
Molecular consequence: intron variant.
Genome position (GRCh38, 1-based): chr5:127,410,604, G>A. VCF-style: chr5-127410604-G-A. GRCh37 (hg19) VCF-style: chr5-126746296-G-A.
Other names: c.1130+3G>A (NM_032446.3, NM_001308119.2, NM_001308121.2).
Identifiers: ClinVar variation 252757 (VCV000252757.22), dbSNP rs115184652, ClinGen allele CA3391490.